The following is an entry in ClinVar:

GRCh38/hg38 16p12.1(chr16:28485965-28486930)x1

Gene: CLN3 (CLN3 lysosomal/endosomal transmembrane protein, battenin; minus strand). Cytogenetic location: 16p12.1.
Variant type: copy number loss.
Change: copy number 1 (one copy instead of two) of chr16:28,485,965-28,486,930 (1.0 kb, GRCh38 coordinates, 1-based), cytogenetic band 16p12.1.
Identifiers: ClinVar variation 2920674 (VCV002920674.1).

ClinVar aggregate classification (germline): Pathogenic (1 of 4 stars; one submission).

Conditions:
Neuronal ceroid lipofuscinosis 3 (CLN3). Identifiers: Orphanet 228346, MedGen C0751383, MONDO:0008767, OMIM 204200.

Submission:

Broad Center for Mendelian Genomics, Broad Institute of MIT and Harvard
Classification: Pathogenic for Neuronal ceroid lipofuscinosis 3. Last evaluated: 2024-02-12. Review status: criteria provided, single submitter. Criteria: ACMG/ClinGen CNV Guidelines, 2019. Collection method: research. Allele origin: unknown. Inheritance: Autosomal recessive inheritance. Affected: yes.
Comment: A heterozygous deletion of exons 8 and 9 in CLN3 (NM_001042432.2) was identified by exome sequencing in five unrelated individuals with retinal degeneration, in the compound heterozygous state, along with a pathogenic variant (Variation ID: 418137) ([GRCh 38] chr16:28485965-28486930x1)(PMID: 34906470; unpublished data). These breakpoints have been estimated by exome sequencing and confirmed by genome sequencing in two individuals and by Sanger sequencing in three individuals. Inheritance information is unavailable. The patient phenotype is nonspecific, but is consistent with cases described in the literature and/or published databases with overlapping variants. This deletion has been reported in ClinVar (Variation ID: 3552) and has been interpreted as pathogenic by multiple submitters. The five individuals presented with non-syndromic retinal degeneration and their phenotypes are consistent with the phenotypic spectrum associated with biallelic variants in CLN3 (PMID: 33507216). This intragenic variant is a deletion of two exons and is predicted to cause a frameshift, which alters the protein’s amino acid sequence and leads to a premature termination codon. This alteration is then predicted to lead to a truncated or absent protein. Loss of function of CLN3 is an established disease mechanism in autosomal recessive neuronal ceroid lipofuscinosis spectrum disorder. A deletion of these two exons has been identified in 0.18% (14/7624) of European chromosomes by the Genome Aggregation Database with no homozygotes (gnomAD; Structural variant: DEL_16_153550). Although this deletion has been seen in the general population in a heterozygous state, its frequency is not high enough to rule out a pathogenic role. In summary, this variant meets criteria to be classified as pathogenic for autosomal recessive neuronal ceroid lipofuscinosis spectrum disorder. The ACMG/ClinGen evidence codes and points used in this curation are as follows: 1: 0 points, 2: 0.9 points, 3: 0 points, 4-5: 0.75 points; Total: 1.65 points; Riggs 2020 (PMID: 31690835).

Literature cited by the submitters: PubMed 34906470; PubMed 33507216.